The following is an entry in ClinVar:

NM_000492.4(CFTR):c.1920_1921dup (p.Ser641fs)

Gene: CFTR (CF transmembrane conductance regulator; plus strand). Cytogenetic location: 7q31.2.
Variant type: Duplication.
Coding change: c.1920_1921dup on transcript NM_000492.4 (MANE Select); coding-DNA positions 1920 to 1921, 2 bases duplicated (TA; older notation c.1920_1921dupTA).
Protein change: p.Ser641fs; shifts the reading frame from serine 641.
Molecular consequence: frameshift variant.
Genome position (GRCh38, 1-based): chr7:117,592,087-117,592,088, TA duplicated. VCF-style (leftmost placement, unchanged base first): chr7-117592086-T-TTA. GRCh37 (hg19) VCF-style: chr7-117232140-T-TTA.
Other names: short protein forms S641fs.
Identifiers: ClinVar variation 813401 (VCV000813401.4), dbSNP rs1584812217, ClinGen allele CA915945424.

ClinVar aggregate classification (germline): Pathogenic/Likely pathogenic. Review status: criteria provided, multiple submitters, no conflicts (2 of 4 stars). 3 submissions from 3 submitters: Pathogenic (1); Likely pathogenic (2). Last evaluated 2025-09-25.

Conditions:
CFTR-related disorder (CFTR-RD). Also called: CFTR-related condition; CFTR-related disorders. Identifiers: MedGen C5924204, MONDO:7770004.
Cystic fibrosis (CF). Also called: MUCOVISCIDOSIS. Identifiers: Orphanet 586, MedGen C0010674, MONDO:0009061, OMIM 219700. Disease mechanism: loss of function.
Congenital bilateral aplasia of vas deferens from CFTR mutation (CBAVD). Identifiers: Orphanet 48, MedGen C0403814, MONDO:0010178, OMIM 277180. Disease mechanism: loss of function.

Allele frequency attached by ClinVar (database versions not stated): TOPMed below 0.00001.

Submissions (3):

Natera, Inc.
Classification: Likely pathogenic for CFTR-related disorders. Last evaluated: 2025-09-25. Review status: criteria provided, single submitter. Criteria: Natera Variant Classification Schema (03/2026). Collection method: clinical testing. Allele origin: germline.
Comment: The c.1920_1921dupTA variant in CFTR is a frameshift variant predicted to shift the reading frame beginning at codon 641 and leads to a stop codon 23 codons downstream. This variant is expected to result in nonsense mediated decay, truncation, or a dysfunctional protein product. This variant is rare in the general population with a frequency below the threshold expected for the associated phenotype(s). Given the available evidence, this variant is classified as Likely Pathogenic.

Women's Health and Genetics/Laboratory Corporation of America, LabCorp
Classification: Likely pathogenic for Cystic fibrosis. Last evaluated: 2020-12-07. Review status: criteria provided, single submitter. Criteria: LabCorp Variant Classification Summary - May 2015. Collection method: clinical testing. Allele origin: germline.
Comment: Variant summary: CFTR c.1920_1921dupTA (p.Ser641IlefsX23) results in a premature termination codon, predicted to cause a truncation of the encoded protein or absence of the protein due to nonsense mediated decay, which are commonly known mechanisms for disease. Truncations downstream of this position have been classified as pathogenic by our laboratory. The variant was absent in 250756 control chromosomes. To our knowledge, no occurrence of c.1920_1921dupTA in individuals affected with Cystic Fibrosis and no experimental evidence demonstrating its impact on protein function have been reported. This variant was observed with c.1521_1523delCTT (p.F508del) in at-least one individual (phase not determined) undergoing CFTR testing at our laboratory. No clinical diagnostic laboratories have submitted clinical-significance assessments for this variant to ClinVar after 2014. Based on the evidence outlined above, the variant was classified as likely pathogenic.

Baylor Genetics
Classification: Pathogenic for Congenital bilateral aplasia of vas deferens from CFTR mutation; Cystic fibrosis. Review status: criteria provided, single submitter. Criteria: ACMG Guidelines, 2015. Collection method: clinical testing. Allele origin: germline.